The following is an entry in ClinVar:

NM_004655.4(AXIN2):c.1176G>C (p.Glu392Asp)

Gene: AXIN2 (axin 2; minus strand). Cytogenetic location: 17q24.1.
Variant type: single nucleotide variant.
Coding change: c.1176G>C on transcript NM_004655.4 (MANE Select); coding-DNA position 1176, G replaced by C.
Protein change: p.Glu392Asp; replaces glutamic acid 392 with aspartic acid.
Molecular consequence: missense variant.
Genome position (GRCh38, 1-based): chr17:65,538,227, C>G on the plus strand (G>C on the coding strand, the complement: AXIN2 is on the minus strand). VCF-style: chr17-65538227-C-G. GRCh37 (hg19) VCF-style: chr17-63534345-C-G.
Other names: c.1176G>C, p.Glu392Asp (NM_001363813.1); short protein forms E392D.
Identifiers: ClinVar variation 2858749 (VCV002858749.3), dbSNP rs376052287, ClinGen allele CA400678203.

ClinVar aggregate classification (germline): Uncertain significance (1 of 4 stars; one submission).

Conditions:
Oligodontia-cancer predisposition syndrome. Also called: TOOTH AGENESIS-COLORECTAL CANCER SYNDROME. Identifiers: MedGen C1837750, MONDO:0012075, OMIM 608615, Orphanet 300576. Disease mechanism: loss of function.

Submission:

Labcorp Genetics (formerly Invitae), Labcorp
Classification: Uncertain significance for Oligodontia-cancer predisposition syndrome. Last evaluated: 2023-04-24. Review status: criteria provided, single submitter. Criteria: Invitae Variant Classification Sherloc (09022015). Collection method: clinical testing. Allele origin: germline.
Comment: In summary, the available evidence is currently insufficient to determine the role of this variant in disease. Therefore, it has been classified as a Variant of Uncertain Significance. Algorithms developed to predict the effect of missense changes on protein structure and function output the following: SIFT: "Not Available"; PolyPhen-2: "Possibly Damaging"; Align-GVGD: "Not Available". The aspartic acid amino acid residue is found in multiple mammalian species, which suggests that this missense change does not adversely affect protein function. This variant has not been reported in the literature in individuals affected with AXIN2-related conditions. This variant is not present in population databases (gnomAD no frequency). This sequence change replaces glutamic acid, which is acidic and polar, with aspartic acid, which is acidic and polar, at codon 392 of the AXIN2 protein (p.Glu392Asp).